The following is an entry in ClinVar:

NM_003265.3(TLR3):c.2703C>G (p.Asn901Lys)

Gene: TLR3 (toll like receptor 3; plus strand). Cytogenetic location: 4q35.1.
Variant type: single nucleotide variant.
Coding change: c.2703C>G on transcript NM_003265.3 (MANE Select); coding-DNA position 2703, C replaced by G.
Protein change: p.Asn901Lys; replaces asparagine 901 with lysine.
Molecular consequence: missense variant.
Genome position (GRCh38, 1-based): chr4:186,084,861, C>G. VCF-style: chr4-186084861-C-G. GRCh37 (hg19) VCF-style: chr4-187006015-C-G.
Other names: short protein forms N901K.
Identifiers: ClinVar variation 2763014 (VCV002763014.3), dbSNP rs2478232138, ClinGen allele CA358938429.

ClinVar aggregate classification (germline): Uncertain significance (1 of 4 stars; one submission).

Conditions:
Encephalopathy, acute, infection-induced (herpes-specific), susceptibility to, 1. Also called: Herpes simplex encephalitis, susceptibility to, 1. Identifiers: Orphanet 1930, MedGen C2750180, MONDO:0024563, OMIM 610551.

Submission:

Labcorp Genetics (formerly Invitae), Labcorp
Classification: Uncertain significance for Encephalopathy, acute, infection-induced (herpes-specific), susceptibility to, 1. Last evaluated: 2023-10-04. Review status: criteria provided, single submitter. Criteria: Invitae Variant Classification Sherloc (09022015). Collection method: clinical testing. Allele origin: germline.
Comment: This sequence change replaces asparagine, which is neutral and polar, with lysine, which is basic and polar, at codon 901 of the TLR3 protein (p.Asn901Lys). This variant is not present in population databases (gnomAD no frequency). This variant has not been reported in the literature in individuals affected with TLR3-related conditions. An algorithm developed to predict the effect of missense changes on protein structure and function (PolyPhen-2) suggests that this variant is likely to be disruptive. In summary, the available evidence is currently insufficient to determine the role of this variant in disease. Therefore, it has been classified as a Variant of Uncertain Significance.